The following is an entry in ClinVar:

NM_177438.3(DICER1):c.2303G>C (p.Cys768Ser)

Gene: DICER1 (dicer 1, ribonuclease III; minus strand). Cytogenetic location: 14q32.13.
Variant type: single nucleotide variant.
Coding change: c.2303G>C on transcript NM_177438.3 (MANE Select); coding-DNA position 2303, G replaced by C.
Protein change: p.Cys768Ser; replaces cysteine 768 with serine.
Molecular consequence: missense variant. On other transcripts: non-coding transcript variant (6).
Genome position (GRCh38, 1-based): chr14:95,108,457, C>G on the plus strand (G>C on the coding strand, the complement: DICER1 is on the minus strand). VCF-style: chr14-95108457-C-G. GRCh37 (hg19) VCF-style: chr14-95574794-C-G.
Other names: c.2303G>C, p.Cys768Ser (NM_001195573.1, NM_001271282.3, NM_001291628.2 and 13 more transcripts); c.2021G>C, p.Cys674Ser (NM_001395686.1); c.1898G>C, p.Cys633Ser (NM_001395687.1, NM_001395688.1, NM_001395689.1 and 2 more transcripts); c.1736G>C, p.Cys579Ser (NM_001395691.1); c.620G>C, p.Cys207Ser (NM_001395697.1); short protein forms C674S, C768S, C579S, C207S, C633S.
Identifiers: ClinVar variation 2086657 (VCV002086657.4), dbSNP rs1891659082, ClinGen allele CA390882338.

ClinVar aggregate classification (germline): Uncertain significance (1 of 4 stars; one submission).

Conditions:
DICER1-related tumor predisposition. Also called: DICER1-related pleuropulmonary blastoma cancer predisposition syndrome; DICER1 syndrome. Identifiers: Orphanet 284343, MedGen C3839822, MONDO:0100216.

Submission:

Labcorp Genetics (formerly Invitae), Labcorp
Classification: Uncertain significance for DICER1-related tumor predisposition. Last evaluated: 2022-01-17. Review status: criteria provided, single submitter. Criteria: Invitae Variant Classification Sherloc (09022015). Collection method: clinical testing. Allele origin: germline.
Comment: In summary, the available evidence is currently insufficient to determine the role of this variant in disease. Therefore, it has been classified as a Variant of Uncertain Significance. Algorithms developed to predict the effect of missense changes on protein structure and function are either unavailable or do not agree on the potential impact of this missense change (SIFT: "Deleterious"; PolyPhen-2: "Benign"; Align-GVGD: "Class C0"). This variant has not been reported in the literature in individuals affected with DICER1-related conditions. This variant is not present in population databases (gnomAD no frequency). This sequence change replaces cysteine, which is neutral and slightly polar, with serine, which is neutral and polar, at codon 768 of the DICER1 protein (p.Cys768Ser).